The following is an entry in ClinVar:

NM_001276345.2(TNNT2):c.810+1G>A

Gene: TNNT2 (troponin T2, cardiac type; minus strand). Cytogenetic location: 1q32.1.
Variant type: single nucleotide variant.
Coding change: c.810+1G>A on transcript NM_001276345.2 (MANE Select); the canonical splice donor site of the intron after coding-DNA position 810, G replaced by A.
Molecular consequence: splice donor variant.
Genome position (GRCh38, 1-based): chr1:201,361,278, C>T on the plus strand (G>A on the coding strand, the complement: TNNT2 is on the minus strand). VCF-style: chr1-201361278-C-T. GRCh37 (hg19) VCF-style: chr1-201330406-C-T.
Other names: c.780+1G>A (NM_001001430.1, NM_001406724.1, NM_001001430.3 and 1 more transcripts); c.771+1G>A (NM_001406727.1, NM_001001431.3, NM_001406726.1); c.762+1G>A (NM_001001432.3); c.765+1G>A (NM_001406728.1); c.777+1G>A (NM_001406725.1); c.681+1G>A (NM_001276346.2); c.801+1G>A (NM_000364.4, NM_001406723.1).
Identifiers: ClinVar variation 1008868 (VCV001008868.11), dbSNP rs113874623, ClinGen allele CA089182.

ClinVar aggregate classification (germline): Uncertain significance. Review status: criteria provided, multiple submitters, no conflicts (2 of 4 stars). 6 submissions from 4 submitters: Uncertain significance (6). Last evaluated 2025-12-28.

Conditions:
Dilated cardiomyopathy 1D. Identifiers: Orphanet 154, Orphanet 54260, MedGen C1832243, MONDO:0011095, OMIM 601494.
Cardiomyopathy, familial restrictive, 3. Identifiers: Orphanet 75249, MedGen C2676271, MONDO:0012900, OMIM 612422.
Hypertrophic cardiomyopathy 2. Also called: TNNT2-Related Familial Hypertrophic Cardiomyopathy. Identifiers: MedGen C1861864, MONDO:0007266, OMIM 115195.
Cardiovascular phenotype. Identifiers: MedGen CN230736.

Allele frequency attached by ClinVar (database versions not stated): gnomAD exomes below 0.00001 and 0.00001; gnomAD 0.00001; TOPMed 0.00001; ExAC 0.00002.
gnomAD v4.1: 6 of 1,613,874 alleles (0.00037%); highest among the groups gnomAD compares: Admixed American, 0.0017%; no homozygotes.

Submissions (6):

Labcorp Genetics (formerly Invitae), Labcorp
Classification: Uncertain significance for Cardiomyopathy, familial restrictive, 3; Hypertrophic cardiomyopathy 2; Dilated cardiomyopathy 1D. Last evaluated: 2025-12-28. Review status: criteria provided, single submitter. Criteria: Invitae Variant Classification Sherloc (09022015). Collection method: clinical testing. Allele origin: germline.
Comment: This sequence change affects a donor splice site in intron 14 of the TNNT2 gene. It is expected to disrupt RNA splicing. Variants that disrupt the donor or acceptor splice site typically lead to a loss of protein function (PMID: 16199547), however the current clinical and genetic evidence is not sufficient to establish whether loss-of-function variants in TNNT2 cause disease. This variant is present in population databases (rs113874623, gnomAD 0.003%). Disruption of this splice site has been observed in individual(s) with sudden unexplained death (PMID: 29016939). ClinVar contains an entry for this variant (Variation ID: 1008868). Algorithms developed to predict the effect of sequence changes on RNA splicing suggest that this variant may disrupt the consensus splice site. In summary, the available evidence is currently insufficient to determine the role of this variant in disease. Therefore, it has been classified as a Variant of Uncertain Significance.

Ambry Genetics
Classification: Uncertain significance for Cardiovascular phenotype. Last evaluated: 2025-07-07. Review status: criteria provided, single submitter. Criteria: Ambry Variant Classification Scheme 2023. Collection method: clinical testing. Allele origin: germline.
Comment: The c.780+1G>A intronic variant results from a G to A substitution one nucleotide after coding exon 13 of the TNNT2 gene. This variant, reported under NM_000364.3 as c.801+1G>A, has been reported in a sudden unexplained death cohort (Hellenthal N et al. Europace, 2017 Nov;19:1881-1890). This nucleotide position is highly conserved in available vertebrate species. In silico splice site analysis predicts that this alteration will weaken the native splice donor site. Alterations that disrupt the canonical splice site are expected to cause aberrant splicing, resulting in an abnormal protein or a transcript that is subject to nonsense-mediated mRNA decay. However, loss of function of TNNT2 has not been established as a mechanism of disease. Based on the available evidence, the clinical significance of this alteration remains unclear.

Genome-Nilou Lab
Classification: Uncertain significance for Dilated cardiomyopathy 1D. Last evaluated: 2023-04-11. Review status: criteria provided, single submitter. Criteria: ACMG Guidelines, 2015. Collection method: clinical testing. Allele origin: germline. Affected: no.

Genome-Nilou Lab
Classification: Uncertain significance for Cardiomyopathy, familial restrictive, 3. Last evaluated: 2023-04-11. Review status: criteria provided, single submitter. Criteria: ACMG Guidelines, 2015. Collection method: clinical testing. Allele origin: germline. Affected: no.

Genome-Nilou Lab
Classification: Uncertain significance for Hypertrophic cardiomyopathy 2. Last evaluated: 2023-04-11. Review status: criteria provided, single submitter. Criteria: ACMG Guidelines, 2015. Collection method: clinical testing. Allele origin: germline. Affected: no.

AiLife Diagnostics
Classification: Uncertain significance. Last evaluated: 2022-02-22. Review status: criteria provided, single submitter. Criteria: ACMG Guidelines, 2015. Collection method: clinical testing. Allele origin: germline. Affected: yes. Observed: 1 variant allele.

Literature cited by the submitters: PubMed 16199547 (cited by Labcorp Genetics (formerly Invitae), Labcorp); PubMed 29016939 (cited by 3 submitters).